The following is an entry in ClinVar:

NM_005876.5(SPEG):c.7180G>A (p.Val2394Met)

Genes: ASIC4-AS1 (ASIC4 antisense RNA 1; minus strand), SPEG (striated muscle enriched protein kinase; plus strand). Cytogenetic location: 2q35.
Variant type: single nucleotide variant.
Coding change: c.7180G>A on transcript NM_005876.5 (MANE Select); coding-DNA position 7180, G replaced by A.
Protein change: p.Val2394Met; replaces valine 2394 with methionine.
Molecular consequence: missense variant.
Genome position (GRCh38, 1-based): chr2:219,484,643, G>A. VCF-style: chr2-219484643-G-A. GRCh37 (hg19) VCF-style: chr2-220349365-G-A.
Other names: c.7180G>A (NM_005876.4); short protein forms V2394M.
Identifiers: ClinVar variation 1435146 (VCV001435146.8), dbSNP rs749582227, ClinGen allele CA2127189.

ClinVar aggregate classification (germline): Uncertain significance. Review status: criteria provided, multiple submitters, no conflicts (2 of 4 stars). 3 submissions from 3 submitters: Uncertain significance (3). Last evaluated 2025-06-08.

Conditions:
Inborn genetic diseases. Identifiers: MedGen C0950123, MeSH D030342.

Allele frequency attached by ClinVar (database versions not stated): gnomAD 0.00005 and 0.00006; gnomAD exomes 0.00008; TOPMed 0.00008.
gnomAD v4.1: 307 of 1,537,672 alleles (0.02%); highest among the groups gnomAD compares: Non-Finnish European, 0.026%; no homozygotes.

Submissions (3):

Ambry Genetics
Classification: Uncertain significance for Inborn genetic diseases. Last evaluated: 2025-06-08. Review status: criteria provided, single submitter. Criteria: Ambry Variant Classification Scheme 2023. Collection method: clinical testing. Allele origin: germline.

Blueprint Genetics
Classification: Uncertain significance. Last evaluated: 2024-08-05. Review status: criteria provided, single submitter. Criteria: ACMG Guidelines, 2015. Collection method: clinical testing. Allele origin: germline.

Labcorp Genetics (formerly Invitae), Labcorp
Classification: Uncertain significance. Last evaluated: 2022-08-10. Review status: criteria provided, single submitter. Criteria: Invitae Variant Classification Sherloc (09022015). Collection method: clinical testing. Allele origin: germline.
Comment: This sequence change replaces valine, which is neutral and non-polar, with methionine, which is neutral and non-polar, at codon 2394 of the SPEG protein (p.Val2394Met). This variant is present in population databases (rs749582227, gnomAD 0.02%). This variant has not been reported in the literature in individuals affected with SPEG-related conditions. ClinVar contains an entry for this variant (Variation ID: 1435146). Algorithms developed to predict the effect of missense changes on protein structure and function are either unavailable or do not agree on the potential impact of this missense change (SIFT: "Deleterious"; PolyPhen-2: "Probably Damaging"; Align-GVGD: "Class C0"). In summary, the available evidence is currently insufficient to determine the role of this variant in disease. Therefore, it has been classified as a Variant of Uncertain Significance.